The following is an entry in ClinVar:

ClinVar aggregate classification (germline): Uncertain significance (1 of 4 stars; one submission).

Allele frequency attached by ClinVar (database versions not stated): gnomAD 0.00001; TOPMed 0.00001; ExAC 0.00003.
gnomAD v4.1: 8 of 1,610,780 alleles (0.0005%); highest among the groups gnomAD compares: Admixed American, 0.012%; 1 homozygote.

Submission:

Labcorp Genetics (formerly Invitae), Labcorp
Classification: Uncertain significance. Last evaluated: 2025-05-30. Review status: criteria provided, single submitter. Criteria: Invitae Variant Classification Sherloc (09022015). Collection method: clinical testing. Allele origin: germline.
Comment: This sequence change replaces valine, which is neutral and non-polar, with alanine, which is neutral and non-polar, at codon 104 of the POMP protein (p.Val104Ala). This variant is present in population databases (rs753242778, gnomAD 0.01%), including at least one homozygous and/or hemizygous individual. This variant has not been reported in the literature in individuals affected with POMP-related conditions. ClinVar contains an entry for this variant (Variation ID: 1982125). An algorithm developed to predict the effect of missense changes on protein structure and function (PolyPhen-2) suggests that this variant is likely to be tolerated. In summary, the available evidence is currently insufficient to determine the role of this variant in disease. Therefore, it has been classified as a Variant of Uncertain Significance.

NM_015932.6(POMP):c.311T>C (p.Val104Ala)

Gene: POMP (proteasome maturation protein; plus strand). Cytogenetic location: 13q12.3.
Variant type: single nucleotide variant.
Coding change: c.311T>C on transcript NM_015932.6 (MANE Select); coding-DNA position 311, T replaced by C.
Protein change: p.Val104Ala; replaces valine 104 with alanine.
Molecular consequence: missense variant.
Genome position (GRCh38, 1-based): chr13:28,672,385, T>C. VCF-style: chr13-28672385-T-C. GRCh37 (hg19) VCF-style: chr13-29246522-T-C.
Other names: short protein forms V104A.
Identifiers: ClinVar variation 1982125 (VCV001982125.4), dbSNP rs753242778, ClinGen allele CA6931091.
Genomic context (GRCh38, chr13:28,672,385, plus strand): 5'-ACTTTTCCCCAAAGGTTCAGCGTCTTCCATTTCTTTCAAGCTCAAATCTTTCACTGGATG[T>C]TTTGAGGGGTAATGATGAGACTATTGGATTTGAGGATATTCTTAATGGTAAGTGTCATTC-3'
Protein context (NP_057016.1, residues 94-114): FLSSSNLSLD[Val104Ala]LRGNDETIGF